The following is an entry in ClinVar:

NM_001267550.2(TTN):c.104993C>T (p.Thr34998Ile)

Genes: TTN-AS1 (TTN antisense RNA 1; plus strand), TTN (titin; minus strand). Cytogenetic location: 2q31.2.
Variant type: single nucleotide variant.
Coding change: c.104993C>T on transcript NM_001267550.2 (MANE Select); coding-DNA position 104993, C replaced by T.
Protein change: p.Thr34998Ile; replaces threonine 34998 with isoleucine.
Molecular consequence: missense variant.
Genome position (GRCh38, 1-based): chr2:178,531,622, G>A on the plus strand (C>T on the coding strand, the complement: TTN is on the minus strand). VCF-style: chr2-178531622-G-A. GRCh37 (hg19) VCF-style: chr2-179396349-G-A.
Other names: c.100070C>T, p.Thr33357Ile (NM_001256850.1); c.77798C>T, p.Thr25933Ile (NM_003319.4); c.97289C>T, p.Thr32430Ile (NM_133378.4); c.78173C>T, p.Thr26058Ile (NM_133432.3); c.78374C>T, p.Thr26125Ile (NM_133437.4); short protein forms T32430I, T33357I, T34998I, T25933I, T26058I, T26125I.
Identifiers: ClinVar variation 1035943 (VCV001035943.9), dbSNP rs397517794, ClinGen allele CA60954244.
Genomic context (GRCh38, chr2:178,531,622, plus strand): 5'-TTGGTGCACACAGCACGGTAGGTTCCACTGTCATCAGTATGACAGTCCAGAATTTCCAGG[G>A]TGAGGACTCCACTCGTGTTGGTGTAATGAATCTTACTGCTTTCTTGGAGTTCCACACCAT-3'
Protein context (NP_001254479.2, residues 34988-35008): IHYTNTSGVL[Thr34998Ile]LEILDCHTDD

ClinVar aggregate classification (germline): Uncertain significance (1 of 4 stars; one submission).

Conditions:
Dilated cardiomyopathy 1G (CMD1G). Identifiers: Orphanet 154, MedGen C1858763, MONDO:0011400, OMIM 604145.
Autosomal recessive limb-girdle muscular dystrophy type 2J (LGMDR10). Also called: Limb-girdle muscular dystrophy, type 2J; MUSCULAR DYSTROPHY, LIMB-GIRDLE, AUTOSOMAL RECESSIVE 10. Identifiers: Orphanet 140922, MedGen C1837342, MONDO:0012127, OMIM 608807.

Allele frequency attached by ClinVar (database versions not stated): TOPMed below 0.00001.
gnomAD v4.1: 2 of 1,613,984 alleles (0.00012%); highest among the groups gnomAD compares: African/African-American, 0.0013%; no homozygotes.

Submission:

Labcorp Genetics (formerly Invitae), Labcorp
Classification: Uncertain significance for Dilated cardiomyopathy 1G; Autosomal recessive limb-girdle muscular dystrophy type 2J. Last evaluated: 2025-07-06. Review status: criteria provided, single submitter. Criteria: Invitae Variant Classification Sherloc (09022015). Collection method: clinical testing. Allele origin: germline.
Comment: This sequence change replaces threonine, which is neutral and polar, with isoleucine, which is neutral and non-polar, at codon 34998 of the TTN protein (p.Thr34998Ile). This variant is not present in population databases (gnomAD no frequency). This variant has not been reported in the literature in individuals affected with TTN-related conditions. ClinVar contains an entry for this variant (Variation ID: 1035943). Experimental studies and prediction algorithms are not available or were not evaluated, and the functional significance of this variant is currently unknown. This variant is located in the M band of TTN (PMID: 25589632). Non-truncating variants in this region may be relevant for neuromuscular disorders, but have not been definitively shown to cause cardiomyopathy (PMID: 23975875). In summary, the available evidence is currently insufficient to determine the role of this variant in disease. Therefore, it has been classified as a Variant of Uncertain Significance.

Literature cited by the submitters: PubMed 25589632; PubMed 23975875.